The following is an entry in ClinVar:

ClinVar aggregate classification (germline): Uncertain significance. Review status: criteria provided, multiple submitters, no conflicts (2 of 4 stars). 2 submissions from 2 submitters: Uncertain significance (2). Last evaluated 2026-08-18.

Conditions:
Inborn genetic diseases. Identifiers: MedGen C0950123, MeSH D030342.

gnomAD v4.1: 19 of 1,613,446 alleles (0.0012%); highest among the groups gnomAD compares: African/African-American, 0.025%; no homozygotes.

Submissions (2):

Ambry Genetics
Classification: Uncertain significance for Inborn genetic diseases. Last evaluated: 2026-08-18. Review status: criteria provided, single submitter. Criteria: Ambry Variant Classification Scheme 2023. Collection method: clinical testing. Allele origin: germline.

Labcorp Genetics (formerly Invitae), Labcorp
Classification: Uncertain significance. Last evaluated: 2024-07-03. Review status: criteria provided, single submitter. Criteria: Invitae Variant Classification Sherloc (09022015). Collection method: clinical testing. Allele origin: germline.
Comment: This sequence change replaces glutamine, which is neutral and polar, with arginine, which is basic and polar, at codon 47 of the POP1 protein (p.Gln47Arg). This variant is present in population databases (rs142498288, gnomAD 0.03%). This variant has not been reported in the literature in individuals affected with POP1-related conditions. An algorithm developed to predict the effect of missense changes on protein structure and function (PolyPhen-2) suggests that this variant is likely to be tolerated. In summary, the available evidence is currently insufficient to determine the role of this variant in disease. Therefore, it has been classified as a Variant of Uncertain Significance.

NM_001145860.2(POP1):c.140A>G (p.Gln47Arg)

Gene: POP1 (POP1 ribonuclease P/MRP subunit; plus strand). Cytogenetic location: 8q22.2.
Variant type: single nucleotide variant.
Coding change: c.140A>G on transcript NM_001145860.2 (MANE Select); coding-DNA position 140, A replaced by G.
Protein change: p.Gln47Arg; replaces glutamine 47 with arginine.
Molecular consequence: missense variant.
Genome position (GRCh38, 1-based): chr8:98,123,477, A>G. VCF-style: chr8-98123477-A-G. GRCh37 (hg19) VCF-style: chr8-99135705-A-G.
Other names: c.140A>G, p.Gln47Arg (NM_001145861.2, NM_015029.3); c.140A>G (NM_015029.2); short protein forms Q47R.
Identifiers: ClinVar variation 3611802 (VCV003611802.3).